The following is an entry in ClinVar:

NM_004415.4(DSP):c.5437G>C (p.Glu1813Gln)

Gene: DSP (desmoplakin; plus strand). Cytogenetic location: 6p24.3.
Variant type: single nucleotide variant.
Coding change: c.5437G>C on transcript NM_004415.4 (MANE Select); coding-DNA position 5437, G replaced by C.
Protein change: p.Glu1813Gln; replaces glutamic acid 1813 with glutamine.
Molecular consequence: missense variant.
Genome position (GRCh38, 1-based): chr6:7,582,699, G>C. VCF-style: chr6-7582699-G-C. GRCh37 (hg19) VCF-style: chr6-7582932-G-C.
Other names: c.3640G>C, p.Glu1214Gln (NM_001008844.3); c.4108G>C, p.Glu1370Gln (NM_001319034.2); short protein forms E1214Q, E1370Q, E1813Q.
Identifiers: ClinVar variation 4758209 (VCV004758209.1).

ClinVar aggregate classification (germline): Uncertain significance (1 of 4 stars; one submission).

Conditions:
Cardiomyopathy (CMYO). Also called: Cardiomyopathies. Identifiers: Orphanet 167848, MedGen C0878544, MONDO:0004994, HP:0001638. Inheritance: Various modes of inheritance.

gnomAD v4.1: 2 of 1,613,738 alleles (0.00012%); highest among the groups gnomAD compares: Non-Finnish European, 0.00017%; no homozygotes.

Submission:

Color Diagnostics, LLC DBA Color Health
Classification: Uncertain significance for Cardiomyopathy. Last evaluated: 2025-10-27. Review status: criteria provided, single submitter. Criteria: ACMG Guidelines, 2015. Collection method: clinical testing. Allele origin: germline.
Comment: This missense variant replaces glutamic acid with glutamine at codon 1813 of the DSP protein. Computational prediction suggests that this variant may not impact protein structure and function. To our knowledge, functional studies have not been reported for this variant. This variant has not been reported in individuals affected with DSP-related disorders in the literature. This variant has been identified in 2/1461494 chromosomes in the general population by the Genome Aggregation Database (gnomAD). The available evidence is insufficient to determine the role of this variant in disease conclusively. Therefore, this variant is classified as a Variant of Uncertain Significance.